The following is an entry in ClinVar:

NM_053025.4(MYLK):c.47C>G (p.Ser16Cys)

Gene: MYLK (myosin light chain kinase; minus strand). Cytogenetic location: 3q21.1.
Variant type: single nucleotide variant.
Coding change: c.47C>G on transcript NM_053025.4 (MANE Select); coding-DNA position 47, C replaced by G.
Protein change: p.Ser16Cys; replaces serine 16 with cysteine.
Molecular consequence: missense variant. On other transcripts: 5 prime UTR variant (1).
Genome position (GRCh38, 1-based): chr3:123,793,795, G>C on the plus strand (C>G on the coding strand, the complement: MYLK is on the minus strand). VCF-style: chr3-123793795-G-C. GRCh37 (hg19) VCF-style: chr3-123512642-G-C.
Other names: c.-274C>G (NM_001321309.2); c.47C>G, p.Ser16Cys (NM_053026.4, NM_053027.4, NM_053028.4); short protein forms S16C.
Identifiers: ClinVar variation 3670951 (VCV003670951.2).
Genomic context (GRCh38, chr3:123,793,795, plus strand): 5'-ATGAAAGCAGGGGCCTCTGTCAGGGGCATGGAGTCAACTCTTGAGGGATCCACACTGAGG[G>C]AGGTTTTGGAAATGTGTGACGAGGCAACCAGCTTCACATCCCCCATGGTCTGCAAAAAGG-3'
Protein context (NP_444253.3, residues 6-26): LVASSHISKT[Ser16Cys]LSVDPSRVDS

ClinVar aggregate classification (germline): Uncertain significance (1 of 4 stars; one submission).

Conditions:
Aortic aneurysm, familial thoracic 7 (AAT7). Also called: AORTIC DISSECTION, FAMILIAL, WITH OR WITHOUT AORTIC ANEURYSM. Identifiers: MedGen C3151077, MONDO:0013418, OMIM 613780.

Submission:

Labcorp Genetics (formerly Invitae), Labcorp
Classification: Uncertain significance for Aortic aneurysm, familial thoracic 7. Last evaluated: 2024-07-24. Review status: criteria provided, single submitter. Criteria: Invitae Variant Classification Sherloc (09022015). Collection method: clinical testing. Allele origin: germline.
Comment: This sequence change replaces serine, which is neutral and polar, with cysteine, which is neutral and slightly polar, at codon 16 of the MYLK protein (p.Ser16Cys). This variant is not present in population databases (gnomAD no frequency). This variant has not been reported in the literature in individuals affected with MYLK-related conditions. Advanced modeling of protein sequence and biophysical properties (such as structural, functional, and spatial information, amino acid conservation, physicochemical variation, residue mobility, and thermodynamic stability) performed at Invitae indicates that this missense variant is not expected to disrupt MYLK protein function with a negative predictive value of 95%. In summary, the available evidence is currently insufficient to determine the role of this variant in disease. Therefore, it has been classified as a Variant of Uncertain Significance.